The following is an entry in ClinVar:

ClinVar aggregate classification (germline): Uncertain significance. Review status: criteria provided, multiple submitters, no conflicts (2 of 4 stars). 2 submissions from 2 submitters: Uncertain significance (2). Last evaluated 2021-08-04.

Submissions (2):

Labcorp Genetics (formerly Invitae), Labcorp
Classification: Uncertain significance. Last evaluated: 2021-08-04. Review status: criteria provided, single submitter. Criteria: Invitae Variant Classification Sherloc (09022015). Collection method: clinical testing. Allele origin: germline.
Comment: This sequence change falls in intron 11 of the IDH3B gene. It does not directly change the encoded amino acid sequence of the IDH3B protein. It affects a nucleotide within the consensus splice site of the intron. This variant is not present in population databases (ExAC no frequency). This variant has not been reported in the literature in individuals affected with IDH3B-related conditions. Variants that disrupts the consensus splice site are a relatively common cause of aberrant splicing (PMID: 17576681, 9536098). Algorithms developed to predict the effect of sequence changes on RNA splicing suggest that this variant may disrupt the consensus splice site. In summary, the available evidence is currently insufficient to determine the role of this variant in disease. Therefore, it has been classified as a Variant of Uncertain Significance.

Blueprint Genetics
Classification: Uncertain significance. Last evaluated: 2019-09-10. Review status: criteria provided, single submitter. Criteria: ACMG Guidelines, 2015. Collection method: clinical testing. Allele origin: germline.

Literature cited by the submitters: PubMed 17576681 (cited by Labcorp Genetics (formerly Invitae), Labcorp); PubMed 9536098 (cited by Labcorp Genetics (formerly Invitae), Labcorp).

NM_006899.5(IDH3B):c.1071+4A>T

Gene: IDH3B (isocitrate dehydrogenase (NAD(+)) 3 non-catalytic subunit beta; minus strand). Cytogenetic location: 20p13.
Variant type: single nucleotide variant.
Coding change: c.1071+4A>T on transcript NM_006899.5 (MANE Select); 4 bases into the intron after coding-DNA position 1071, A replaced by T.
Molecular consequence: intron variant.
Genome position (GRCh38, 1-based): chr20:2,659,521, T>A on the plus strand (A>T on the coding strand, the complement: IDH3B is on the minus strand). VCF-style: chr20-2659521-T-A. GRCh37 (hg19) VCF-style: chr20-2640167-T-A.
Other names: c.1071+4A>T (NM_174855.4, NM_001330763.2, NM_001258384.3).
Identifiers: ClinVar variation 1372466 (VCV001372466.7), dbSNP rs2146306589, ClinGen allele CA2573157006.